The following is an entry in ClinVar:

ClinVar aggregate classification (germline): Uncertain significance. Review status: criteria provided, multiple submitters, no conflicts (2 of 4 stars). 4 submissions from 4 submitters: Uncertain significance (4). Last evaluated 2025-07-09.

Conditions:
Cardiovascular phenotype. Identifiers: MedGen CN230736.
Brugada syndrome. Also called: Sudden unexplained nocturnal death syndrome; Sudden Unexplained Death Syndrome; Sudden Unexplained Nocturnal Death Syndrome (SUNDS); Sudden unexpected nocturnal death syndrome. Identifiers: Orphanet 130, MedGen C1142166, MONDO:0015263.
Episodic pain syndrome, familial, 2 (FEPS2). Identifiers: Orphanet 306577, MedGen C3809893, MONDO:0014246, OMIM 615551.

Allele frequency attached by ClinVar (database versions not stated): gnomAD exomes below 0.00001.
gnomAD v4.1: 8 of 1,610,274 alleles (0.0005%); highest among the groups gnomAD compares: Non-Finnish European, 0.00017%; no homozygotes.

Submissions (4):

Ambry Genetics
Classification: Uncertain significance for Cardiovascular phenotype. Last evaluated: 2025-07-09. Review status: criteria provided, single submitter. Criteria: Ambry Variant Classification Scheme 2023. Collection method: clinical testing. Allele origin: germline.
Comment: The p.I865V variant (also known as c.2593A>G), located in coding exon 15 of the SCN10A gene, results from an A to G substitution at nucleotide position 2593. The isoleucine at codon 865 is replaced by valine, an amino acid with highly similar properties. This amino acid position is conserved. In addition, this alteration is predicted to be tolerated by in silico analysis. Since supporting evidence is limited at this time, the clinical significance of this alteration remains unclear.

Labcorp Genetics (formerly Invitae), Labcorp
Classification: Uncertain significance for Brugada syndrome. Last evaluated: 2023-12-04. Review status: criteria provided, single submitter. Criteria: Invitae Variant Classification Sherloc (09022015). Collection method: clinical testing. Allele origin: germline.
Comment: This sequence change replaces isoleucine, which is neutral and non-polar, with valine, which is neutral and non-polar, at codon 865 of the SCN10A protein (p.Ile865Val). This variant is not present in population databases (gnomAD no frequency). This variant has not been reported in the literature in individuals affected with SCN10A-related conditions. ClinVar contains an entry for this variant (Variation ID: 453095). Advanced modeling of protein sequence and biophysical properties (such as structural, functional, and spatial information, amino acid conservation, physicochemical variation, residue mobility, and thermodynamic stability) performed at Invitae indicates that this missense variant is not expected to disrupt SCN10A protein function with a negative predictive value of 80%. In summary, the available evidence is currently insufficient to determine the role of this variant in disease. Therefore, it has been classified as a Variant of Uncertain Significance.

Fulgent Genetics
Classification: Uncertain significance for Episodic pain syndrome, familial, 2. Last evaluated: 2021-10-11. Review status: criteria provided, single submitter. Criteria: ACMG Guidelines, 2015. Collection method: clinical testing. Allele origin: unknown.

GeneDx
Classification: Uncertain significance. Last evaluated: 2017-11-01. Review status: criteria provided, single submitter. Criteria: GeneDx Variant Classification (06012015). Collection method: clinical testing. Allele origin: germline. Affected: yes.
Comment: A variant of uncertain significance has been identified in the SCN10A gene. The I865V variant has not been published as pathogenic or been reported as benign to our knowledge. This variant is not observed in large population cohorts (Lek et al., 2016). However, the I865V variant is a conservative amino acid substitution, which is not likely to impact secondary protein structure as these residues share similar properties. This substitution occurs at a position where amino acids with similar properties to isoleucine (I) are tolerated across species and where valine (V) is present as the wild type in several species. Finally, in silico analysis predicts this variant likely does not alter the protein structure/function.

NM_006514.4(SCN10A):c.2593A>G (p.Ile865Val)

Gene: SCN10A (sodium voltage-gated channel alpha subunit 10; minus strand). Cytogenetic location: 3p22.2.
Variant type: single nucleotide variant.
Coding change: c.2593A>G on transcript NM_006514.4 (MANE Select); coding-DNA position 2593, A replaced by G.
Protein change: p.Ile865Val; replaces isoleucine 865 with valine.
Molecular consequence: missense variant.
Genome position (GRCh38, 1-based): chr3:38,728,589, T>C on the plus strand (A>G on the coding strand, the complement: SCN10A is on the minus strand). VCF-style: chr3-38728589-T-C. GRCh37 (hg19) VCF-style: chr3-38770080-T-C.
Other names: c.2593A>G, p.Ile865Val (NM_001293306.2); c.2299A>G, p.Ile767Val (NM_001293307.2); short protein forms I865V, I767V.
Identifiers: ClinVar variation 453095 (VCV000453095.11), dbSNP rs1553617020, ClinGen allele CA352160131.
Genomic context (GRCh38, chr3:38,728,589, plus strand): 5'-GTTCACCACTCACCACCAGGTTCCCTAGCACCATCACCGTCAAGAAAAGGATGAGGCATA[T>C]GGATTTTTGGCCAACTTCCATGCAGGCCCACATGTTCTCAATCCACTCTCCACAGAGGAT-3'
Protein context (NP_006505.4, residues 855-875): WACMEVGQKS[Ile865Val]CLILFLTVMV